The following is an entry in ClinVar:

ClinVar aggregate classification (germline): Uncertain significance (1 of 4 stars; one submission).

Conditions:
Spastic paraplegia. Identifiers: MedGen C0037772, HP:0001258.

Allele frequency attached by ClinVar (database versions not stated): TOPMed below 0.00001.

Submission:

Labcorp Genetics (formerly Invitae), Labcorp
Classification: Uncertain significance for Spastic paraplegia. Last evaluated: 2024-02-17. Review status: criteria provided, single submitter. Criteria: Invitae Variant Classification Sherloc (09022015). Collection method: clinical testing. Allele origin: germline.
Comment: This sequence change replaces methionine, which is neutral and non-polar, with isoleucine, which is neutral and non-polar, at codon 1819 of the ZFYVE26 protein (p.Met1819Ile). This variant is not present in population databases (gnomAD no frequency). This variant has not been reported in the literature in individuals affected with ZFYVE26-related conditions. ClinVar contains an entry for this variant (Variation ID: 1060804). An algorithm developed to predict the effect of missense changes on protein structure and function (PolyPhen-2) suggests that this variant is likely to be disruptive. In summary, the available evidence is currently insufficient to determine the role of this variant in disease. Therefore, it has been classified as a Variant of Uncertain Significance.

NM_015346.4(ZFYVE26):c.5457G>A (p.Met1819Ile)

Gene: ZFYVE26 (zinc finger FYVE-type containing 26; minus strand). Cytogenetic location: 14q24.1.
Variant type: single nucleotide variant.
Coding change: c.5457G>A on transcript NM_015346.4 (MANE Select); coding-DNA position 5457, G replaced by A.
Protein change: p.Met1819Ile; replaces methionine 1819 with isoleucine.
Molecular consequence: missense variant.
Genome position (GRCh38, 1-based): chr14:67,772,074, C>T on the plus strand (G>A on the coding strand, the complement: ZFYVE26 is on the minus strand). VCF-style: chr14-67772074-C-T. GRCh37 (hg19) VCF-style: chr14-68238791-C-T.
Other names: short protein forms M1819I.
Identifiers: ClinVar variation 1060804 (VCV001060804.8), dbSNP rs1470344743, ClinGen allele CA390167284.
Genomic context (GRCh38, chr14:67,772,074, plus strand): 5'-CTGAGGGTGACAGTGGAGACCGATGCTGCTTACCATGGTGAAGTGCTCCCTGCAGCAGAC[C>T]ATGCAGATACTCTCAGTCTCATCCGGTACCCACTGGTGCCTGGCAGGGGGTGTCGCTGGG-3'
Protein context (NP_056161.2, residues 1809-1829): WVPDETESIC[Met1819Ile]VCCREHFTMF